The following is an entry in ClinVar:

ClinVar aggregate classification (germline): Likely benign (1 of 4 stars; one submission).

Allele frequency attached by ClinVar (database versions not stated): ExAC 0.00025; 1000 Genomes Project 0.00060; 1000 Genomes Project 30x 0.00062; ESP Exome Variant Server 0.00062; gnomAD 0.00115; TOPMed 0.00126.
gnomAD v4.1: 326 of 1,613,998 alleles (0.02%); highest among the groups gnomAD compares: African/African-American, 0.39%; 1 homozygote.

Submission:

CeGaT Center for Human Genetics Tuebingen
Classification: Likely benign. Last evaluated: 2022-09-01. Review status: criteria provided, single submitter. Criteria: CeGaT Center For Human Genetics Tuebingen Variant Classification Criteria Version 2. Collection method: clinical testing. Allele origin: germline. Affected: yes. Observed: 1 variant allele.
Comment: KIAA1549L: BP4, BP7

NM_012194.3(KIAA1549L):c.3267A>C (p.Pro1089=)

Gene: KIAA1549L (KIAA1549 like; plus strand). Cytogenetic location: 11p13.
Variant type: single nucleotide variant.
Coding change: c.3267A>C on transcript NM_012194.3 (MANE Select); coding-DNA position 3267, A replaced by C.
Protein change: p.Pro1089=; no amino-acid change (proline 1089 retained).
Molecular consequence: synonymous variant.
Genome position (GRCh38, 1-based): chr11:33,545,260, A>C. VCF-style: chr11-33545260-A-C. GRCh37 (hg19) VCF-style: chr11-33566806-A-C.
Other names: c.1077A>C, p.Pro359= (NM_001410965.1).
Identifiers: ClinVar variation 2641716 (VCV002641716.24), dbSNP rs183458242, ClinGen allele CA5939705.